The following continues an entry in ClinVar:

NM_007294.4(BRCA1):c.4986+3G>C

Gene: BRCA1. ClinVar aggregate classification (germline): Pathogenic/Likely pathogenic. Pathogenic (9); Likely pathogenic (9).

Submissions 12 to 26 of 26:

Women's Health and Genetics/Laboratory Corporation of America, LabCorp
Classification: Pathogenic for Hereditary breast ovarian cancer syndrome. Last evaluated: 2021-07-25. Review status: criteria provided, single submitter. Criteria: LabCorp Variant Classification Summary - May 2015. Collection method: clinical testing. Allele origin: germline.
Comment: Variant summary: BRCA1 c.4986+3G>C alters a conserved nucleotide located close to a canonical splice site and therefore could affect mRNA splicing, leading to a significantly altered protein sequence. Several computational tools predict a significant impact on normal splicing: Three predict the variant abolishes a 5 splicing donor site. At least one publication reports experimental evidence that this variant affects mRNA splicing (Wappenschmidt_2012). The variant was absent in 249776 control chromosomes (gnomAD). c.4986+3G>C has been reported in the literature in multiple individuals affected with breast and ovarian cancers (example: Rebbeck_2018, Wappenschmidt_2012). These data indicate that the variant is very likely to be associated with disease. At least one publication reports experimental evidence suggesting a loss on protein function (Findlay_2018). 12 ClinVar submitters (evaluation after 2014) cite the variant as likely pathogenic/pathogenic. Based on the evidence outlined above, the variant was classified as pathogenic.

Institute of Medical Genetics and Applied Genomics, University Hospital Tübingen
Classification: Likely pathogenic. Last evaluated: 2020-10-23. Review status: criteria provided, single submitter. Criteria: ACMG Guidelines, 2015. Collection method: clinical testing. Allele origin: germline. Inheritance: Autosomal dominant inheritance. Affected: yes.

Department of Molecular Diagnostics, Institute of Oncology Ljubljana
Classification: Likely pathogenic for Breast-ovarian cancer, familial, susceptibility to, 1. Last evaluated: 2020-04-02. Review status: criteria provided, single submitter. Criteria: ACMG Guidelines, 2015. Collection method: clinical testing. Allele origin: germline. Affected: yes.

GeneKor MSA
Classification: Likely pathogenic. Last evaluated: 2020-01-01. Review status: criteria provided, single submitter. Criteria: ACMG Guidelines, 2015. Collection method: clinical testing. Allele origin: germline.
Comment: This variant occurs three bases after exon 15 of the BRCA1 gene. Experimental studies have shown that this variant causes aberrant splicing in vitro, resulting in an out-of-frame insertion predicted to cause loss of normal protein function through either protein truncation or nonsense-mediated mRNA decay (PMID: 23239986). This variant has been observed in multiple individuals with a personal and/or family history of breast and/or ovarian cancer (PMID: 23239986, 12491499). This variant is also known as BRCA1 IVS16+3G>C and 5105G>C using alternate nomenclature. The mutation database ClinVar contains several entries for this variant (Variation ID: 55341).

Quest Diagnostics Nichols Institute San Juan Capistrano
Classification: Likely pathogenic. Last evaluated: 2018-06-30. Review status: criteria provided, single submitter. Criteria: Quest Diagnostics criteria. Collection method: clinical testing. Allele origin: germline.

GeneDx
Classification: Likely pathogenic. Last evaluated: 2018-02-02. Review status: criteria provided, single submitter. Criteria: GeneDx Variant Classification (06012015). Collection method: clinical testing. Allele origin: germline. Affected: yes.
Comment: This variant is denoted BRCA1 c.4986+3G>C or IVS15+3G>C and consists of a G>C nucleotide substitution at the +3 position of intron 15 of the BRCA1 gene. This variant is also known as BRCA1 5105+3G>C or IVS16+3G>C using alternate nomenclature. In vitro RNA analysis demonstrated that this variant causes aberrant splicing, resulting in an out-of-frame intron inclusion predicted to result in protein truncation (Wappenschmidt 2012). This variant has been observed in multiple individuals with a personal and/or family history of breast, ovarian, and/or pancreatic cancer (Adem 2003, Thomassen 2008, Muendlein 2015, Wong-Brown 2015, Dudley 2018). BRCA1 c.4986+3G>C was not observed in large population cohorts (Lek 2016). The guanine (G) nucleotide that is altered is not conserved. Based on currently available evidence, we consider BRCA1 c.4986+3G>C to be a likely pathogenic variant.

Consortium of Investigators of Modifiers of BRCA1/2 (CIMBA), c/o University of Cambridge
Classification: Pathogenic for Breast-ovarian cancer, familial, susceptibility to, 1. Last evaluated: 2015-10-02. Review status: criteria provided, single submitter. Criteria: CIMBA Mutation Classification guidelines May 2016. Collection method: clinical testing. Allele origin: germline.

German Consortium for Hereditary Breast and Ovarian Cancer, University Hospital Cologne
Classification: Likely pathogenic, low penetrance for Hereditary breast ovarian cancer syndrome. Last evaluated: 2024-10-10. Review status: no assertion criteria provided. Collection method: curation. Allele origin: germline. Not counted in ClinVar's aggregate classification.
Comment: Taking into accout the results of the splice analysis and the low LRs from segregation analysis we assume that this variant is likely to be a variant with reduced penetrance in comparision with other LOF-variants in BRCA1; According to the ClinGen ENIGMA BRCA1 v1.1.0 criteria we chose these criteria: PS1 (medium pathogenic): Apply PS1_Moderate, for exonic and intronic variants with same predicted impact on splicing, as a previously classified (likely) pathogenic variant. Vary weight depending on relative positions, and confidence in classification of the reference variant. Various variants in this splice site are classified as pathogenic e.g. c.4986+6T>G; +1/2, PS3 (strong pathogenic): Findlay et al. (PS3 met as per ENIGMA/ClinGen table 9), PM2 (supporting pathogenic): not in gnomAD (90 families in GC-HBOC), PP3 (supporting pathogenic): Variant is predicted to have a splice effect by SpliceAI (threshold: 0.2, value: 0.93).

BRCAlab, Lund University
Classification: Pathogenic for Breast-ovarian cancer, familial, susceptibility to, 1. Last evaluated: 2020-03-02. Review status: no assertion criteria provided. Collection method: clinical testing. Allele origin: germline. Affected: yes. Not counted in ClinVar's aggregate classification.

King Laboratory, University of Washington
Classification: Pathogenic for Hereditary breast and ovarian cancer syndrome; Breast-ovarian cancer, familial 1. Last evaluated: 2019-09-01. Review status: no assertion criteria provided. Collection method: research. Allele origin: germline. Affected: yes. Not counted in ClinVar's aggregate classification.
Comment: Transcript analysis by cBROCA

Research Molecular Genetics Laboratory, Women's College Hospital, University of Toronto
Classification: Likely pathogenic for Hereditary breast ovarian cancer syndrome. Last evaluated: 2015-12-17. Review status: no assertion criteria provided. Collection method: research. Allele origin: germline. Affected: yes. Study: The Canadian Open Genetics Repository (COGR). Not counted in ClinVar's aggregate classification.

Counsyl
Classification: Pathogenic for Breast-ovarian cancer, familial 1. Last evaluated: 2015-02-13. Review status: no assertion criteria provided. Collection method: literature only. Allele origin: unknown. Inheritance: Autosomal dominant inheritance. Not counted in ClinVar's aggregate classification.

Breast Cancer Information Core (BIC) (BRCA1)
Classification: Pathogenic for Breast-ovarian cancer, familial 1. Last evaluated: 2002-05-29. Review status: no assertion criteria provided. Collection method: clinical testing. Allele origin: germline. Affected: yes. Observed: 13 variant alleles. Not counted in ClinVar's aggregate classification.

Brotman Baty Institute, University of Washington
No classification provided (evidence only). Condition: Breast-ovarian cancer, familial 1. Review status: no classification provided. Collection method: in vitro. Allele origin: not applicable. Functional consequence: functionally_abnormal. Not counted in ClinVar's aggregate classification.
ClinVar note: "not provided" was previously submitted as the classification for the variant. However, the classification appeared to be based only on an observation of functional data so it was converted to no classification on 2025-07-30.

Department of Pathology and Laboratory Medicine, Sinai Health System
Classification: Likely pathogenic for Malignant tumor of breast. Review status: no assertion criteria provided. Collection method: clinical testing. Allele origin: unknown. Affected: yes. Study: The Canadian Open Genetics Repository (COGR). Not counted in ClinVar's aggregate classification.
Comment: The BRCA1 c.4986+3G>C variant was identified in 3 of 1748 proband chromosomes (frequency: 0.002) from individuals or families with breast and ovarian cancer (Muendlein 2015, Wong-Brown 2015). The variant was also identified in dbSNP (ID: rs80358023) as â€šÃ„ÃºWith Pathogenic alleleâ€šÃ„Ã¹, Clinvitae database (as uncertain significance by ClinVar and Invitae, as Pathogenic by ClinVar), ARUP Laboratories BRCA Mutations Database (as definitely pathogenic), the ClinVar database (as uncertain significance by Invitae, Ambry Genetics; as likely pathogenic by GeneDx; as pathogenic by Counsyl and BIC), the BIC database (11X with clinical importance).rnThe c.4986+3G>C variant is located in the 5' splice region but does not affect the invariant +1 and +2 positions. However, positions +3 to +6 are part of the splicing consensus sequence and variants involving these positions sometimes affect splicing. In addition, 4 of 5 in silico or computational prediction software programs (SpliceSiteFinder, MaxEntScan, NNSPLICE, GeneSplicer, HumanSpliceFinder) predict a greater than 10% difference in splicing. In addition, the variant was found in triple-negative patient in preclinical study by Wong-Brown (2015). The study suggests the variant leads to intronic retention of 65 bp and creates premature stop codon at position 1663 (p.Met1663ValfsX14) and classified it as likely pathogenic. In summary, based on the above information, the clinical significance of this variant cannot be determined with certainty at this time although we would lean towards a more pathogenic role for this variant. This variant is classified as likely pathogenic.

Literature cited by the submitters: PubMed 12491499 (cited by 5 submitters); PubMed 18465347 (cited by 3 submitters); PubMed 23239986 (cited by 6 submitters); PubMed 23772696 (cited by 3 submitters); PubMed 25682074 (cited by 3 submitters); PubMed 25971625 (cited by 3 submitters); PubMed 29446198 (cited by 4 submitters); PubMed 17576681 (cited by Labcorp Genetics (formerly Invitae), Labcorp); PubMed 9536098 (cited by Labcorp Genetics (formerly Invitae), Labcorp); PubMed 31843900 (cited by 3 submitters); PubMed 29360161 (cited by 3 submitters); PubMed 30209399 (cited by 4 submitters); PubMed 31131967 (cited by Color Diagnostics, LLC DBA Color Health); PubMed 35409996 (cited by Color Diagnostics, LLC DBA Color Health); PubMed 17661172 (cited by All of Us Research Program, National Institutes of Health); PubMed 21989022 (cited by All of Us Research Program, National Institutes of Health); PubMed 22762150 (cited by All of Us Research Program, National Institutes of Health); PubMed 30322717 (cited by All of Us Research Program, National Institutes of Health and Ambry Genetics); PubMed 25281711 (cited by Ambry Genetics).